The following is an entry in ClinVar:

NM_004429.5(EFNB1):c.196C>T (p.Arg66Ter)

Gene: EFNB1 (ephrin B1; plus strand). Cytogenetic location: Xq13.1.
Variant type: single nucleotide variant.
Coding change: c.196C>T on transcript NM_004429.5 (MANE Select); coding-DNA position 196, C replaced by T.
Protein change: p.Arg66Ter; replaces arginine 66 with a stop codon.
Molecular consequence: nonsense.
Genome position (GRCh38, 1-based): chrX:68,838,684, C>T. VCF-style: chrX-68838684-C-T. GRCh37 (hg19) VCF-style: chrX-68058527-C-T.
Other names: short protein forms R66*.
Identifiers: ClinVar variation 11715 (VCV000011715.57), dbSNP rs104894804, ClinGen allele CA121642.

ClinVar aggregate classification (germline): Pathogenic. Review status: criteria provided, multiple submitters, no conflicts (2 of 4 stars). 10 submissions from 10 submitters: Pathogenic (9). 1 of the submissions does not count toward it. Last evaluated 2025-09-08.

Conditions:
Craniofrontonasal syndrome (CFNS). Also called: CRANIOFRONTONASAL DYSOSTOSIS. Identifiers: Orphanet 1520, MedGen C0220767, MONDO:0010570, OMIM 304110.

Submissions (10):

3billion
Classification: Pathogenic for Craniofrontonasal syndrome. Last evaluated: 2025-09-08. Review status: criteria provided, single submitter. Criteria: ACMG Guidelines, 2015. Collection method: clinical testing. Allele origin: germline. Affected: yes.
Comment: The variant is not observed in the gnomAD v4.1.0 dataset. Predicted Consequence/Location: Stop-gained (nonsense): predicted to result in a loss or disruption of normal protein function through nonsense-mediated decay (NMD) or protein truncation. Multiple pathogenic variants are reported downstream of the variant. The variant has been reported at least twice as pathogenic with clinical assertions and evidence for the classification (ClinVar ID: VCV000011715 /PMID: 15166289 /3billion dataset). Therefore, this variant is classified as Pathogenic according to the recommendation of ACMG/AMP guideline.

Daryl Scott Lab, Baylor College of Medicine
Classification: Pathogenic for Craniofrontonasal syndrome. Last evaluated: 2025-08-25. Review status: criteria provided, single submitter. Criteria: ACMG Guidelines, 2015. Collection method: clinical testing. Allele origin: de novo. Affected: yes. Observed: 1 heterozygote.
Comment: PVS1, PS2, PM2

Laboratorio de Genetica e Diagnostico Molecular, Hospital Israelita Albert Einstein
Classification: Pathogenic for Craniofrontonasal syndrome. Last evaluated: 2024-12-01. Review status: criteria provided, single submitter. Criteria: ACMG Guidelines, 2015. Collection method: clinical testing. Allele origin: germline. Affected: yes.
Comment: ACMG classification criteria: PVS1 very strong, PS4 strong, PM2 supporting

Labcorp Genetics (formerly Invitae), Labcorp
Classification: Pathogenic. Last evaluated: 2023-10-11. Review status: criteria provided, single submitter. Criteria: Invitae Variant Classification Sherloc (09022015). Collection method: clinical testing. Allele origin: germline.
Comment: This sequence change creates a premature translational stop signal (p.Arg66*) in the EFNB1 gene. It is expected to result in an absent or disrupted protein product. Loss-of-function variants in EFNB1 are known to be pathogenic (PMID: 15959873, 16685650). This variant is not present in population databases (gnomAD no frequency). This premature translational stop signal has been observed in individuals with craniofrontonasal syndrome (PMID: 15166289, 15959873, 16685650, 18627045, 23335590, 26586496). ClinVar contains an entry for this variant (Variation ID: 11715). For these reasons, this variant has been classified as Pathogenic.

GeneDx
Classification: Pathogenic. Last evaluated: 2021-11-16. Review status: criteria provided, single submitter. Criteria: GeneDx Variant Classification Process June 2021. Collection method: clinical testing. Allele origin: germline. Affected: yes.
Comment: Nonsense variant predicted to result in protein truncation or nonsense mediated decay in a gene for which loss-of-function is a known mechanism of disease; Not observed in large population cohorts (gnomAD); This variant is associated with the following publications: (PMID: 20565770, 26586496, 23335590, 15166289, 18627045, 15959873, 16685650, 31618753)

CeGaT Center for Human Genetics Tuebingen
Classification: Pathogenic. Last evaluated: 2020-08-01. Review status: criteria provided, single submitter. Criteria: CeGaT Center For Human Genetics Tuebingen Variant Classification Criteria Version 2. Collection method: clinical testing. Allele origin: germline. Affected: yes. Observed: 1 variant allele.

Revvity Omics, Revvity
Classification: Pathogenic for Craniofrontonasal syndrome. Last evaluated: 2020-06-05. Review status: criteria provided, single submitter. Criteria: ACMG Guidelines, 2015. Collection method: clinical testing. Allele origin: germline.

Center for Pediatric Genomic Medicine, Children's Mercy Hospital and Clinics
Classification: Pathogenic. Last evaluated: 2015-01-30. Review status: criteria provided, single submitter. Criteria: ACMG Guidelines, 2015. Collection method: clinical testing. Allele origin: germline.

Juno Genomics, Hangzhou Juno Genomics, Inc
Classification: Pathogenic for Craniofrontonasal syndrome. Review status: criteria provided, single submitter. Criteria: ACMG Guidelines, 2015. Collection method: clinical testing. Allele origin: germline. Affected: yes.
Comment: Absent from controls (or at extremely low frequency if recessive) in Genome Aggregation Database, Exome Sequencing Project, 1000 Genomes Project, or Exome Aggregation Consortium.;Null variant in a gene where loss of function (LOF) is a known mechanism of disease.;The prevalence of the variant in affected individuals is significantly increased compared to the prevalence in controls.;De novo (both maternity and paternity confirmed) in a patient with the disease and no family history.;Co-segregation with disease in multiple affected family members in a gene definitively known to cause the disease.

OMIM
Classification: Pathogenic for CRANIOFRONTONASAL SYNDROME. Last evaluated: 2013-04-15. Review status: no assertion criteria provided. Collection method: literature only. Allele origin: germline. Not counted in ClinVar's aggregate classification.

Literature cited by the submitters: PubMed 15166289 (cited by 3billion and Labcorp Genetics (formerly Invitae), Labcorp); PubMed 15959873 (cited by Labcorp Genetics (formerly Invitae), Labcorp); PubMed 16685650 (cited by Labcorp Genetics (formerly Invitae), Labcorp and OMIM); PubMed 18627045 (cited by Labcorp Genetics (formerly Invitae), Labcorp); PubMed 23335590 (cited by Labcorp Genetics (formerly Invitae), Labcorp and OMIM); PubMed 26586496 (cited by Labcorp Genetics (formerly Invitae), Labcorp).